The following is an entry in ClinVar:

NM_004519.4(KCNQ3):c.1502G>T (p.Gly501Val)

Gene: KCNQ3 (potassium voltage-gated channel subfamily Q member 3; minus strand). Cytogenetic location: 8q24.22.
Variant type: single nucleotide variant.
Coding change: c.1502G>T on transcript NM_004519.4 (MANE Select); coding-DNA position 1502, G replaced by T.
Protein change: p.Gly501Val; replaces glycine 501 with valine.
Molecular consequence: missense variant.
Genome position (GRCh38, 1-based): chr8:132,140,142, C>A on the plus strand (G>T on the coding strand, the complement: KCNQ3 is on the minus strand). VCF-style: chr8-132140142-C-A. GRCh37 (hg19) VCF-style: chr8-133152389-C-A.
Other names: c.1142G>T, p.Gly381Val (NM_001204824.2); short protein forms G381V, G501V.
Identifiers: ClinVar variation 4746623 (VCV004746623.1).
Genomic context (GRCh38, chr8:132,140,142, plus strand): 5'-GCTCGGATGGCGGCCTTCAGGGTGGGGATCATGTCTTCGATGGGGAAGTCATTCCCATAG[C>A]CCCTGTCTTCCGCCATGGGGTCACCTGTCCCGGCATCTGGGAGGGAGACACACATATGAA-3'
Protein context (NP_004510.1, residues 491-511): GTGDPMAEDR[Gly501Val]YGNDFPIEDM

ClinVar aggregate classification (germline): Uncertain significance (1 of 4 stars; one submission).

Conditions:
Benign neonatal seizures. Also called: Convulsions benign familial neonatal dominant form; Autosomal dominant form of benign neonatal seizures; Benign familial neonatal epilepsy; Benign familial neonatal seizures; Benign neonatal familial convulsions. Identifiers: Orphanet 1949, MedGen C0220669, MONDO:0016027.

Submission:

Labcorp Genetics (formerly Invitae), Labcorp
Classification: Uncertain significance for Benign neonatal seizures. Last evaluated: 2025-10-21. Review status: criteria provided, single submitter. Criteria: Invitae Variant Classification Sherloc (09022015). Collection method: clinical testing. Allele origin: germline.
Comment: This sequence change replaces glycine, which is neutral and non-polar, with valine, which is neutral and non-polar, at codon 501 of the KCNQ3 protein (p.Gly501Val). This variant is not present in population databases (gnomAD no frequency). This variant has not been reported in the literature in individuals affected with KCNQ3-related conditions. Invitae Evidence Modeling of protein sequence and biophysical properties (such as structural, functional, and spatial information, amino acid conservation, physicochemical variation, residue mobility, and thermodynamic stability) indicates that this missense variant is not expected to disrupt KCNQ3 protein function with a negative predictive value of 80%. In summary, the available evidence is currently insufficient to determine the role of this variant in disease. Therefore, it has been classified as a Variant of Uncertain Significance.